The following is an entry in ClinVar:

ClinVar aggregate classification (germline): Uncertain significance. Review status: criteria provided, multiple submitters, no conflicts (2 of 4 stars). 3 submissions from 3 submitters: Uncertain significance (3). Last evaluated 2024-09-03.

Conditions:
Structural heart defects and renal anomalies syndrome (SHDRA). Identifiers: Orphanet 689822, MedGen C4479549, MONDO:0044321, OMIM 617478.
Inborn genetic diseases. Identifiers: MedGen C0950123, MeSH D030342.

Allele frequency attached by ClinVar (database versions not stated): ESP Exome Variant Server 0.00008; ExAC 0.00012; gnomAD exomes 0.00017; TOPMed 0.00023; gnomAD 0.00027 and 0.00029.
gnomAD v4.1: 333 of 1,613,882 alleles (0.021%); highest among the groups gnomAD compares: Admixed American, 0.058%; no homozygotes.

Submissions (3):

Ambry Genetics
Classification: Uncertain significance for Inborn genetic diseases. Last evaluated: 2024-09-03. Review status: criteria provided, single submitter. Criteria: Ambry Variant Classification Scheme 2023. Collection method: clinical testing. Allele origin: germline.

Revvity Omics, Revvity
Classification: Uncertain significance for Structural heart defects and renal anomalies syndrome. Last evaluated: 2022-10-11. Review status: criteria provided, single submitter. Criteria: ACMG Guidelines, 2015. Collection method: clinical testing. Allele origin: germline.

Baylor Genetics
Classification: Uncertain significance for Structural heart defects and renal anomalies syndrome. Last evaluated: 2018-01-26. Review status: criteria provided, single submitter. Criteria: ACMG Guidelines, 2015. Collection method: clinical testing. Allele origin: maternal. Affected: yes.
Comment: This variant was determined to be of uncertain significance according to ACMG Guidelines, 2015 [PMID:25741868].

NM_017799.4(TMEM260):c.1781T>C (p.Met594Thr)

Gene: TMEM260 (transmembrane protein 260; plus strand). Cytogenetic location: 14q22.3.
Variant type: single nucleotide variant.
Coding change: c.1781T>C on transcript NM_017799.4 (MANE Select); coding-DNA position 1781, T replaced by C.
Protein change: p.Met594Thr; replaces methionine 594 with threonine.
Molecular consequence: missense variant.
Genome position (GRCh38, 1-based): chr14:56,636,510, T>C. VCF-style: chr14-56636510-T-C. GRCh37 (hg19) VCF-style: chr14-57103228-T-C.
Other names: short protein forms M594T.
Identifiers: ClinVar variation 1032770 (VCV001032770.5), dbSNP rs370852423, ClinGen allele CA7200243.